The following is an entry in ClinVar:

ClinVar aggregate classification (germline): Uncertain significance. Review status: criteria provided, multiple submitters, no conflicts (2 of 4 stars). 3 submissions from 3 submitters: Uncertain significance (3). Last evaluated 2025-10-16.

Conditions:
AARS1-related disorder. Also called: AARS1-related condition.
Charcot-Marie-Tooth disease type 2. Also called: Charcot-Marie-Tooth type 2. Identifiers: Orphanet 64746, MedGen C0270914, MONDO:0018993.

Allele frequency attached by ClinVar (database versions not stated): ExAC 0.00002; TOPMed 0.00002; gnomAD 0.00003; gnomAD exomes 0.00003; ESP Exome Variant Server 0.00008.
gnomAD v4.1: 59 of 1,613,744 alleles (0.0037%); highest among the groups gnomAD compares: Non-Finnish European, 0.0047%; no homozygotes.

Submissions (4):

PreventionGenetics, part of Exact Sciences
Classification: Uncertain significance for AARS1-related condition. Last evaluated: 2025-10-16. Review status: criteria provided, single submitter. Criteria: ACMG Guidelines, 2015. Collection method: clinical testing. Allele origin: germline.
Comment: The AARS1 c.1347G>A variant is not predicted to result in an amino acid change (p.=). This variant occurs at the last nucleotide of the exon and is predicted to weaken the canonical donor splice site based on available splicing prediction programs (SpliceAI, Jaganathan et al. 2019. PubMed ID: 30661751). However, the use of computer prediction programs is not equivalent to functional evidence. To our knowledge, this variant has not been reported in the literature. This variant is reported in 0.0070% of alleles in individuals of European (Non-Finnish) descent in gnomAD. At this time, the clinical significance of this variant is uncertain due to the absence of conclusive functional and genetic evidence.

Labcorp Genetics (formerly Invitae), Labcorp
Classification: Uncertain significance for Charcot-Marie-Tooth disease type 2. Last evaluated: 2025-10-02. Review status: criteria provided, single submitter. Criteria: Invitae Variant Classification Sherloc (09022015). Collection method: clinical testing. Allele origin: germline.
Comment: This sequence change affects codon 449 of the AARS mRNA. It is a 'silent' change, meaning that it does not change the encoded amino acid sequence of the AARS protein. This variant also falls at the last nucleotide of exon 10, which is part of the consensus splice site for this exon. This variant is present in population databases (rs200557581, gnomAD 0.006%). This variant has not been reported in the literature in individuals affected with AARS-related conditions. ClinVar contains an entry for this variant (Variation ID: 576369). Variants that disrupt the consensus splice site are a relatively common cause of aberrant splicing (PMID: 17576681, 9536098). Algorithms developed to predict the effect of sequence changes on RNA splicing suggest that this variant may disrupt the consensus splice site. In summary, the available evidence is currently insufficient to determine the role of this variant in disease. Therefore, it has been classified as a Variant of Uncertain Significance.

GeneDx
Classification: Uncertain significance. Last evaluated: 2021-05-04. Review status: criteria provided, single submitter. Criteria: GeneDx Variant Classification Process June 2021. Collection method: clinical testing. Allele origin: germline. Affected: yes.
Comment: Has not been previously published as pathogenic or benign to our knowledge; Alters the last nucleotide of the exon and is predicted to destroy the splice donor site and result in aberrant splicing, although in the absence of functional evidence, the actual effect of this sequence change is unknown

Dr. Peter K. Rogan Lab, Western University
No classification provided (evidence only). Condition: Familial cancer of breast. Review status: no classification provided. Collection method: in vitro. Allele origin: not applicable. Functional consequence: skipped exon, retained intron. Not counted in ClinVar's aggregate classification.

Literature cited by the submitters: PubMed 17576681 (cited by Labcorp Genetics (formerly Invitae), Labcorp); PubMed 9536098 (cited by Labcorp Genetics (formerly Invitae), Labcorp).

NM_001605.3(AARS1):c.1347G>A (p.Gln449=)

Gene: AARS1 (alanyl-tRNA synthetase 1; minus strand). Cytogenetic location: 16q22.1.
Variant type: single nucleotide variant.
Coding change: c.1347G>A on transcript NM_001605.3 (MANE Select); coding-DNA position 1347, G replaced by A.
Protein change: p.Gln449=; no amino-acid change (glutamine 449 retained).
Molecular consequence: synonymous variant.
Genome position (GRCh38, 1-based): chr16:70,265,538, C>T on the plus strand (G>A on the coding strand, the complement: AARS1 is on the minus strand). VCF-style: chr16-70265538-C-T. GRCh37 (hg19) VCF-style: chr16-70299441-C-T.
Identifiers: ClinVar variation 576369 (VCV000576369.12), dbSNP rs200557581, ClinGen allele CA8140853.